The following is an entry in ClinVar:

NM_004517.4(ILK):c.998C>G (p.Ala333Gly)

Genes: TAF10 (TATA-box binding protein associated factor 10; minus strand), ILK (integrin linked kinase; plus strand). Cytogenetic location: 11p15.4.
Variant type: single nucleotide variant.
Coding change: c.998C>G on transcript NM_004517.4 (MANE Select); coding-DNA position 998, C replaced by G.
Protein change: p.Ala333Gly; replaces alanine 333 with glycine.
Molecular consequence: missense variant. On other transcripts: 3 prime UTR variant (1).
Genome position (GRCh38, 1-based): chr11:6,609,955, C>G. VCF-style: chr11-6609955-C-G. GRCh37 (hg19) VCF-style: chr11-6631186-C-G.
Other names: c.998C>G, p.Ala333Gly (NM_001014794.3, NM_001014795.3); c.815C>G, p.Ala272Gly (NM_001278441.2); c.596C>G, p.Ala199Gly (NM_001278442.2); c.*967G>C (NM_006284.4); short protein forms A199G, A272G, A333G.
Identifiers: ClinVar variation 4858449 (VCV004858449.1).
Genomic context (GRCh38, chr11:6,609,955, plus strand): 5'-ATCTATGACTTACCTCCTTCTATCTGTTTTCTCTTCCTCAGATTGATGAGGACATGACTG[C>G]CCGAATTAGCATGGCTGATGTCAAGTTCTCTTTCCAATGTCCTGGTCGCATGTATGCACC-3'
Protein context (NP_004508.1, residues 323-343): RSVMIDEDMT[Ala333Gly]RISMADVKFS

ClinVar aggregate classification (germline): Uncertain significance (1 of 4 stars; one submission).

Submission:

Ambry Genetics
Classification: Uncertain significance. Last evaluated: 2026-05-14. Review status: criteria provided, single submitter. Criteria: Ambry Variant Classification Scheme 2023. Collection method: clinical testing. Allele origin: germline.
Comment: The p.A333G variant (also known as c.998C>G), located in coding exon 10 of the ILK gene, results from a C to G substitution at nucleotide position 998. The alanine at codon 333 is replaced by glycine, an amino acid with similar properties. This amino acid position is conserved. In addition, this alteration is predicted to be deleterious by in silico analysis. Based on the available evidence, the clinical significance of this variant remains unclear.